The following is an entry in ClinVar:

ClinVar aggregate classification (germline): Uncertain significance (1 of 4 stars; one submission).

Conditions:
Jeune thoracic dystrophy. Also called: Jeune syndrome; Infantile thoracic dystrophy; Thoracic pelvic phalangeal dystrophy; Jeune's syndrome; Chondroectodermal dysplasia-like syndrome; Short-rib thoracic dysplasia. Identifiers: Orphanet 474, MedGen C0265275, MONDO:0018770.

Allele frequency attached by ClinVar (database versions not stated): gnomAD exomes 0.00001.
gnomAD v4.1: 10 of 1,609,614 alleles (0.00062%); highest among the groups gnomAD compares: African/African-American, 0.0013%; no homozygotes.

Submission:

Labcorp Genetics (formerly Invitae), Labcorp
Classification: Uncertain significance for Jeune thoracic dystrophy. Last evaluated: 2022-05-04. Review status: criteria provided, single submitter. Criteria: Invitae Variant Classification Sherloc (09022015). Collection method: clinical testing. Allele origin: germline.
Comment: In summary, the available evidence is currently insufficient to determine the role of this variant in disease. Therefore, it has been classified as a Variant of Uncertain Significance. Algorithms developed to predict the effect of missense changes on protein structure and function output the following: SIFT: "Tolerated"; PolyPhen-2: "Benign"; Align-GVGD: "Class C0". The isoleucine amino acid residue is found in multiple mammalian species, which suggests that this missense change does not adversely affect protein function. This variant has not been reported in the literature in individuals affected with IFT80-related conditions. This variant is present in population databases (rs372710243, gnomAD 0.0009%). This sequence change replaces valine, which is neutral and non-polar, with isoleucine, which is neutral and non-polar, at codon 102 of the IFT80 protein (p.Val102Ile).

NM_020800.3(IFT80):c.304G>A (p.Val102Ile)

Genes: TRIM59-IFT80 (TRIM59-IFT80 readthrough (NMD candidate); minus strand), IFT80 (intraflagellar transport 80; minus strand). Cytogenetic location: 3q25.33.
Variant type: single nucleotide variant.
Coding change: c.304G>A on transcript NM_020800.3 (MANE Select); coding-DNA position 304, G replaced by A.
Protein change: p.Val102Ile; replaces valine 102 with isoleucine.
Molecular consequence: missense variant. On other transcripts: non-coding transcript variant (2), 5 prime UTR variant (2).
Genome position (GRCh38, 1-based): chr3:160,377,496, C>T on the plus strand (G>A on the coding strand, the complement: IFT80 is on the minus strand). VCF-style: chr3-160377496-C-T. GRCh37 (hg19) VCF-style: chr3-160095284-C-T.
Other names: c.-108G>A (NM_001190241.2, NM_001190242.2); short protein forms V102I.
Identifiers: ClinVar variation 1979391 (VCV001979391.4), dbSNP rs372710243, ClinGen allele CA2685529.
Genomic context (GRCh38, chr3:160,377,496, plus strand): 5'-CTAATGCTGTTCCTTCATAATTCCATCTTCCTGCAAGTACTGCTCCACAGTGAGCTTCTA[C>T]ACTTTTTTCCACTCTTCCTAACTTGGAAATCAGATGAAATTTACCTGAAAGAAATTACAT-3'
Protein context (NP_065851.1, residues 92-112): ISKLGRVEKS[Val102Ile]EAHCGAVLAG